The following is an entry in ClinVar:

ClinVar aggregate classification (germline): Benign/Likely benign. Review status: criteria provided, multiple submitters, no conflicts (2 of 4 stars). 3 submissions from 3 submitters: Benign (1); Likely benign (2). Last evaluated 2026-02-02.

Conditions:
Koolen-de Vries syndrome (KDVS). Identifiers: Orphanet 96169, MedGen C1864871, MONDO:0012496, OMIM 610443.

Allele frequency attached by ClinVar (database versions not stated): gnomAD exomes 0.00004; ExAC 0.00007; gnomAD 0.00009; TOPMed 0.00009; 1000 Genomes Project 30x 0.00016; 1000 Genomes Project 0.00020.
gnomAD v4.1: 188 of 1,609,262 alleles (0.012%); highest among the groups gnomAD compares: African/African-American, 0.019%; no homozygotes.

Submissions (3):

Labcorp Genetics (formerly Invitae), Labcorp
Classification: Likely benign for Koolen-de Vries syndrome. Last evaluated: 2026-02-02. Review status: criteria provided, single submitter. Criteria: Invitae Variant Classification Sherloc (09022015). Collection method: clinical testing. Allele origin: germline.

CeGaT Center for Human Genetics Tuebingen
Classification: Likely benign. Last evaluated: 2024-05-01. Review status: criteria provided, single submitter. Criteria: CeGaT Center For Human Genetics Tuebingen Variant Classification Criteria Version 2. Collection method: clinical testing. Allele origin: germline. Affected: yes. Observed: 1 variant allele.
Comment: KANSL1: BP4, BP7

GeneDx
Classification: Benign. Last evaluated: 2014-08-06. Review status: criteria provided, single submitter. Criteria: GeneDx Variant Classification (06012015). Collection method: clinical testing. Allele origin: germline. Affected: yes.
Comment: This variant is considered likely benign or benign based on one or more of the following criteria: it is a conservative change, it occurs at a poorly conserved position in the protein, it is predicted to be benign by multiple in silico algorithms, and/or has population frequency not consistent with disease.

NM_015443.4(KANSL1):c.30C>T (p.Asp10=)

Gene: KANSL1 (KAT8 regulatory NSL complex subunit 1). Cytogenetic location: 17q21.31.
Variant type: single nucleotide variant.
Coding change: c.30C>T on transcript NM_015443.4 (MANE Select); coding-DNA position 30, C replaced by T.
Protein change: p.Asp10=; no amino-acid change (aspartic acid 10 retained).
Molecular consequence: synonymous variant.
Genome position (GRCh38, 1-based): chr17:46,172,114, G>A on the plus strand (C>T on the coding strand, the complement: KANSL1 is on the minus strand). VCF-style: chr17-46172114-G-A. GRCh37 (hg19) VCF-style: chr17-44249480-G-A.
Other names: p.D10D:GAC>GAT; c.30C>T, p.Asp10= (NM_001193465.2, NM_001193466.2, NM_001379198.1).
Identifiers: ClinVar variation 205760 (VCV000205760.31), dbSNP rs200649587, ClinGen allele CA315146.
Genomic context (GRCh38, chr17:46,172,114, plus strand): 5'-GGACAAGGTAGAGGATGGGGGAGCCAGTTTGAACCGGATATGGTGTGCTTCAGCTGCTGC[G>A]TCAGTGAGAGCGGGCGCCATCGCAGCCATTCAGCACAGAGAGACAGGAAGTCCAGCCTCT-3'
Protein context (NP_056258.1, residues 1-20): MAAMAPALT[Asp10=]AAAEAHHIRF